The following is an entry in ClinVar:

ClinVar aggregate classification (germline): Pathogenic. Review status: criteria provided, multiple submitters, no conflicts (2 of 4 stars). 2 submissions from 2 submitters: Pathogenic (2). Last evaluated 2026-04-24.

Conditions:
Familial cancer of breast. Also called: BREAST CANCER, FAMILIAL; Hereditary breast cancer; hereditary breast carcinoma. Identifiers: Orphanet 227535, MedGen C0346153, MONDO:0016419, OMIM 114480. Disease mechanism: loss of function.
Hereditary cancer-predisposing syndrome. Also called: Tumor predisposition; Hereditary neoplastic syndrome; Neoplastic Syndromes, Hereditary; Hereditary Cancer Syndrome. Identifiers: Orphanet 140162, MedGen C0027672, MeSH D009386, MONDO:0015356.

Submissions (2):

Ambry Genetics
Classification: Pathogenic for Hereditary cancer-predisposing syndrome. Last evaluated: 2026-04-24. Review status: criteria provided, single submitter. Criteria: Ambry Variant Classification Scheme 2023. Collection method: clinical testing. Allele origin: germline.
Comment: The p.W412* pathogenic mutation (also known as c.1236G>A), located in coding exon 9 of the ATM gene, results from a G to A substitution at nucleotide position 1236. This changes the amino acid from a tryptophan to a stop codon within coding exon 9. This variant is considered to be rare based on population cohorts in the Genome Aggregation Database (gnomAD). This alteration is expected to result in loss of function by premature protein truncation or nonsense-mediated mRNA decay. As such, this alteration is interpreted as a disease-causing mutation.

Myriad Genetics, Inc.
Classification: Pathogenic for Familial cancer of breast. Last evaluated: 2024-01-12. Review status: criteria provided, single submitter. Criteria: Myriad Autosomal Dominant, Autosomal Recessive and X-Linked Classification Criteria (2023). Collection method: clinical testing. Allele origin: unknown.
Comment: This variant is considered pathogenic. This variant creates a termination codon and is predicted to result in premature protein truncation.

NM_000051.4(ATM):c.1236G>A (p.Trp412Ter)

Gene: ATM (ATM serine/threonine kinase; plus strand). Cytogenetic location: 11q22.3.
Variant type: single nucleotide variant.
Coding change: c.1236G>A on transcript NM_000051.4 (MANE Select); coding-DNA position 1236, G replaced by A.
Protein change: p.Trp412Ter; replaces tryptophan 412 with a stop codon.
Molecular consequence: nonsense.
Genome position (GRCh38, 1-based): chr11:108,250,701, G>A. VCF-style: chr11-108250701-G-A. GRCh37 (hg19) VCF-style: chr11-108121428-G-A.
Other names: c.1236G>A, p.Trp412Ter (NM_001351834.2); short protein forms W412*.
Identifiers: ClinVar variation 3148742 (VCV003148742.2), dbSNP rs79220522, ClinGen allele CA382533128.